The following is an entry in ClinVar:

NM_005535.3(IL12RB1):c.1021+809G>A

Gene: IL12RB1 (interleukin 12 receptor subunit beta 1; minus strand). Cytogenetic location: 19p13.11.
Variant type: single nucleotide variant.
Coding change: c.1021+809G>A on transcript NM_005535.3 (MANE Select); 809 bases into the intron after coding-DNA position 1021, G replaced by A.
Molecular consequence: intron variant. On other transcripts: missense variant (3).
Genome position (GRCh38, 1-based): chr19:18,071,303, C>T on the plus strand (G>A on the coding strand, the complement: IL12RB1 is on the minus strand). VCF-style: chr19-18071303-C-T. GRCh37 (hg19) VCF-style: chr19-18182113-C-T.
Other names: c.1193G>A, p.Arg398His (NM_001440426.1); c.1172G>A, p.Arg391His (NM_001440427.1); c.1052G>A, p.Arg351His (NM_153701.3); c.1141+809G>A (NM_001290024.2); c.1021+809G>A (NM_001290023.2); c.1042+809G>A (NM_001440425.1, NM_001440424.1); short protein forms R351H, R391H, R398H.
Identifiers: ClinVar variation 2649561 (VCV002649561.25), dbSNP rs8109778, ClinGen allele CA9304990.

ClinVar aggregate classification (germline): Benign/Likely benign. Review status: criteria provided, multiple submitters, no conflicts (2 of 4 stars). 2 submissions from 2 submitters: Benign (1); Likely benign (1). Last evaluated 2022-07-25.

Allele frequency attached by ClinVar (database versions not stated): ExAC 0.00020; 1000 Genomes Project 30x 0.00422; gnomAD 0.00427; 1000 Genomes Project 0.00439.
gnomAD v4.1: 843 of 602,084 alleles (0.14%); highest among the groups gnomAD compares: African/African-American, 1.5%; 4 homozygotes.

Submissions (2):

Blueprint Genetics
Classification: Likely benign. Last evaluated: 2022-07-25. Review status: criteria provided, single submitter. Criteria: ACMG Guidelines, 2015. Collection method: clinical testing. Allele origin: germline.

CeGaT Center for Human Genetics Tuebingen
Classification: Benign. Last evaluated: 2022-07-01. Review status: criteria provided, single submitter. Criteria: CeGaT Center For Human Genetics Tuebingen Variant Classification Criteria Version 2. Collection method: clinical testing. Allele origin: germline. Affected: yes. Observed: 1 variant allele.
Comment: IL12RB1: BP4, BS1, BS2